The following is an entry in ClinVar:

NM_001035.3(RYR2):c.4471G>C (p.Gly1491Arg)

Gene: RYR2 (ryanodine receptor 2; plus strand). Cytogenetic location: 1q43.
Variant type: single nucleotide variant.
Coding change: c.4471G>C on transcript NM_001035.3 (MANE Select); coding-DNA position 4471, G replaced by C.
Protein change: p.Gly1491Arg; replaces glycine 1491 with arginine.
Molecular consequence: missense variant.
Genome position (GRCh38, 1-based): chr1:237,595,532, G>C. VCF-style: chr1-237595532-G-C. GRCh37 (hg19) VCF-style: chr1-237758832-G-C.
Other names: c.4471G>C (NM_001035.2); short protein forms G1491R.
Identifiers: ClinVar variation 1426092 (VCV001426092.10), dbSNP rs1212392127, ClinGen allele CA345400216.

ClinVar aggregate classification (germline): Uncertain significance. Review status: criteria provided, multiple submitters, no conflicts (2 of 4 stars). 2 submissions from 2 submitters: Uncertain significance (2). Last evaluated 2024-10-22.

Conditions:
Catecholaminergic polymorphic ventricular tachycardia 1. Also called: VENTRICULAR TACHYCARDIA, CATECHOLAMINERGIC POLYMORPHIC, 1, WITH OR WITHOUT ATRIAL DYSFUNCTION AND/OR DILATED CARDIOMYOPATHY; RYR2-Related Catecholaminergic Polymorphic Ventricular Tachycardia; VENTRICULAR TACHYCARDIA, STRESS-INDUCED POLYMORPHIC 1. Identifiers: Orphanet 3286, MedGen C1631597, MONDO:0011484, OMIM 604772.
Cardiovascular phenotype. Identifiers: MedGen CN230736.

Allele frequency attached by ClinVar (database versions not stated): gnomAD exomes below 0.00001.
gnomAD v4.1: 2 of 1,613,554 alleles (0.00012%); highest among the groups gnomAD compares: Non-Finnish European, 0.00017%; no homozygotes.

Submissions (2):

Labcorp Genetics (formerly Invitae), Labcorp
Classification: Uncertain significance for Catecholaminergic polymorphic ventricular tachycardia 1. Last evaluated: 2024-10-22. Review status: criteria provided, single submitter. Criteria: Invitae Variant Classification Sherloc (09022015). Collection method: clinical testing. Allele origin: germline.
Comment: This sequence change replaces glycine, which is neutral and non-polar, with arginine, which is basic and polar, at codon 1491 of the RYR2 protein (p.Gly1491Arg). This variant is present in population databases (no rsID available, gnomAD 0.0009%). This variant has not been reported in the literature in individuals affected with RYR2-related conditions. ClinVar contains an entry for this variant (Variation ID: 1426092). Invitae Evidence Modeling of protein sequence and biophysical properties (such as structural, functional, and spatial information, amino acid conservation, physicochemical variation, residue mobility, and thermodynamic stability) indicates that this missense variant is not expected to disrupt RYR2 protein function with a negative predictive value of 95%. In summary, the available evidence is currently insufficient to determine the role of this variant in disease. Therefore, it has been classified as a Variant of Uncertain Significance.

Ambry Genetics
Classification: Uncertain significance for Cardiovascular phenotype. Last evaluated: 2024-08-07. Review status: criteria provided, single submitter. Criteria: Ambry Variant Classification Scheme 2023. Collection method: clinical testing. Allele origin: germline.
Comment: The p.G1491R variant (also known as c.4471G>C), located in coding exon 34 of the RYR2 gene, results from a G to C substitution at nucleotide position 4471. The glycine at codon 1491 is replaced by arginine, an amino acid with dissimilar properties. This amino acid position is highly conserved in available vertebrate species. In addition, the in silico prediction for this alteration is inconclusive. Based on the available evidence, the clinical significance of this variant remains unclear.